The following is an entry in ClinVar:

ClinVar aggregate classification (germline): Uncertain significance. Review status: criteria provided, multiple submitters, no conflicts (2 of 4 stars). 2 submissions from 2 submitters: Uncertain significance (2). Last evaluated 2026-07-06.

Conditions:
Breast-ovarian cancer, familial, susceptibility to, 5 (BROVCA5). Identifiers: MedGen C5830615, MONDO:0957530, OMIM 620442.
Familial cancer of breast. Also called: Hereditary breast cancer; BREAST CANCER, FAMILIAL; hereditary breast carcinoma. Identifiers: Orphanet 227535, MedGen C0346153, MONDO:0016419, OMIM 114480. Disease mechanism: loss of function.

Submissions (2):

KCCC/NGS Laboratory, Kuwait Cancer Control Center
Classification: Uncertain significance for Breast-ovarian cancer, familial, susceptibility to, 5. Last evaluated: 2026-07-06. Review status: criteria provided, single submitter. Criteria: ACMG Guidelines, 2015. Collection method: clinical testing. Allele origin: germline. Inheritance: Autosomal dominant inheritance. Affected: yes.
Comment: A variant of uncertain significance was detected in PALB2 gene

Labcorp Genetics (formerly Invitae), Labcorp
Classification: Uncertain significance for Familial cancer of breast. Last evaluated: 2020-07-29. Review status: criteria provided, single submitter. Criteria: Invitae Variant Classification Sherloc (09022015). Collection method: clinical testing. Allele origin: germline.
Comment: In summary, the available evidence is currently insufficient to determine the role of this variant in disease. Therefore, it has been classified as a Variant of Uncertain Significance. Algorithms developed to predict the effect of missense changes on protein structure and function output the following: SIFT: "Tolerated"; PolyPhen-2: "Benign"; Align-GVGD: "Class C0". The histidine amino acid residue is found in multiple mammalian species, suggesting that this missense change does not adversely affect protein function. These predictions have not been confirmed by published functional studies and their clinical significance is uncertain. This variant has not been reported in the literature in individuals with PALB2-related conditions. This variant is not present in population databases (ExAC no frequency). This sequence change replaces glutamine with histidine at codon 292 of the PALB2 protein (p.Gln292His). The glutamine residue is moderately conserved and there is a small physicochemical difference between glutamine and histidine.

NM_024675.4(PALB2):c.876A>C (p.Gln292His)

Gene: PALB2 (partner and localizer of BRCA2; minus strand). Cytogenetic location: 16p12.2.
Variant type: single nucleotide variant.
Coding change: c.876A>C on transcript NM_024675.4 (MANE Select); coding-DNA position 876, A replaced by C.
Protein change: p.Gln292His; replaces glutamine 292 with histidine.
Molecular consequence: missense variant.
Genome position (GRCh38, 1-based): chr16:23,635,670, T>G on the plus strand (A>C on the coding strand, the complement: PALB2 is on the minus strand). VCF-style: chr16-23635670-T-G. GRCh37 (hg19) VCF-style: chr16-23646991-T-G.
Other names: c.876A>C (NM_024675.3); short protein forms Q292H.
Identifiers: ClinVar variation 1025795 (VCV001025795.10), dbSNP rs1408180894, ClinGen allele CA395135763.
Genomic context (GRCh38, chr16:23,635,670, plus strand): 5'-ACTTTTACTTATAGCTTTATTTACAAGGAGGTTATCTGTAGAGACAGTCATTTTTTTGCC[T>G]TGTGCCTCCAAACTTACAGGTGAAGTAAATCTAATGTTTTTTAGGTCGTGAGTAGTAAGT-3'
Protein context (NP_078951.2, residues 282-302): RFTSPVSLEA[Gln292His]GKKMTVSTDN